The following is an entry in ClinVar:

ClinVar aggregate classification (germline): Uncertain significance (1 of 4 stars; one submission).

Conditions:
Catecholaminergic polymorphic ventricular tachycardia 1. Also called: VENTRICULAR TACHYCARDIA, STRESS-INDUCED POLYMORPHIC 1; VENTRICULAR TACHYCARDIA, CATECHOLAMINERGIC POLYMORPHIC, 1, WITH OR WITHOUT ATRIAL DYSFUNCTION AND/OR DILATED CARDIOMYOPATHY; RYR2-Related Catecholaminergic Polymorphic Ventricular Tachycardia. Identifiers: Orphanet 3286, MedGen C1631597, MONDO:0011484, OMIM 604772.

gnomAD v4.1: 1 of 1,613,616 alleles (0.000062%); highest among the groups gnomAD compares: Admixed American, 0.0017%; no homozygotes.

Submission:

Labcorp Genetics (formerly Invitae), Labcorp
Classification: Uncertain significance for Catecholaminergic polymorphic ventricular tachycardia 1. Last evaluated: 2024-02-14. Review status: criteria provided, single submitter. Criteria: Invitae Variant Classification Sherloc (09022015). Collection method: clinical testing. Allele origin: germline.
Comment: This sequence change replaces glycine, which is neutral and non-polar, with valine, which is neutral and non-polar, at codon 2361 of the RYR2 protein (p.Gly2361Val). The frequency data for this variant in the population databases is considered unreliable, as metrics indicate poor data quality at this position in the gnomAD database. This variant has not been reported in the literature in individuals affected with RYR2-related conditions. Advanced modeling of protein sequence and biophysical properties (such as structural, functional, and spatial information, amino acid conservation, physicochemical variation, residue mobility, and thermodynamic stability) has been performed at Invitae for this missense variant, however the output from this modeling did not meet the statistical confidence thresholds required to predict the impact of this variant on RYR2 protein function. In summary, the available evidence is currently insufficient to determine the role of this variant in disease. Therefore, it has been classified as a Variant of Uncertain Significance.

NM_001035.3(RYR2):c.7082G>T (p.Gly2361Val)

Gene: RYR2 (ryanodine receptor 2; plus strand). Cytogenetic location: 1q43.
Variant type: single nucleotide variant.
Coding change: c.7082G>T on transcript NM_001035.3 (MANE Select); coding-DNA position 7082, G replaced by T.
Protein change: p.Gly2361Val; replaces glycine 2361 with valine.
Molecular consequence: missense variant.
Genome position (GRCh38, 1-based): chr1:237,639,168, G>T. VCF-style: chr1-237639168-G-T. GRCh37 (hg19) VCF-style: chr1-237802468-G-T.
Other names: short protein forms G2361V.
Identifiers: ClinVar variation 3621211 (VCV003621211.2).